The following is an entry in ClinVar:

NM_014252.4(SLC25A15):c.632C>T (p.Pro211Leu)

Gene: SLC25A15 (solute carrier family 25 member 15; plus strand). Cytogenetic location: 13q14.11.
Variant type: single nucleotide variant.
Coding change: c.632C>T on transcript NM_014252.4 (MANE Select); coding-DNA position 632, C replaced by T.
Protein change: p.Pro211Leu; replaces proline 211 with leucine.
Molecular consequence: missense variant.
Genome position (GRCh38, 1-based): chr13:40,808,447, C>T. VCF-style: chr13-40808447-C-T. GRCh37 (hg19) VCF-style: chr13-41382583-C-T.
Other names: p.Pro211Leu; short protein forms P211L.
Identifiers: ClinVar variation 312182 (VCV000312182.13), dbSNP rs139034961, ClinGen allele CA6959794.

ClinVar aggregate classification (germline): Uncertain significance. Review status: criteria provided, multiple submitters, no conflicts (2 of 4 stars). 6 submissions from 6 submitters: Uncertain significance (5). 1 of the submissions does not count toward it. Last evaluated 2025-10-24.

Conditions:
Inborn genetic diseases. Identifiers: MedGen C0950123, MeSH D030342.
Hyperornithinemia-hyperammonemia-homocitrullinuria syndrome (HHHS). Also called: HHH SYNDROME; Ornithine translocase deficiency. Identifiers: Orphanet 415, MedGen C0268540, MONDO:0009393, OMIM 238970.

Allele frequency attached by ClinVar (database versions not stated): ExAC 0.00021; TOPMed 0.00022; gnomAD exomes 0.00029 and 0.00059; gnomAD 0.00031 and 0.00033; ESP Exome Variant Server 0.00038.
gnomAD v4.1: 895 of 1,613,168 alleles (0.055%); highest among the groups gnomAD compares: Non-Finnish European, 0.073%; no homozygotes.

Submissions (6):

GeneDx
Classification: Uncertain significance. Last evaluated: 2025-10-24. Review status: criteria provided, single submitter. Criteria: GeneDx Variant Classification Process June 2021. Collection method: clinical testing. Allele origin: germline. Affected: yes.
Comment: Missense variants in this gene are a common cause of disease and they are underrepresented in the general population; In silico analysis supports that this missense variant has a deleterious effect on protein structure/function; Has not been previously published as pathogenic or benign to our knowledge

Labcorp Genetics (formerly Invitae), Labcorp
Classification: Uncertain significance for Hyperornithinemia-hyperammonemia-homocitrullinuria syndrome. Last evaluated: 2024-11-04. Review status: criteria provided, single submitter. Criteria: Invitae Variant Classification Sherloc (09022015). Collection method: clinical testing. Allele origin: germline.
Comment: This sequence change replaces proline, which is neutral and non-polar, with leucine, which is neutral and non-polar, at codon 211 of the SLC25A15 protein (p.Pro211Leu). This variant is present in population databases (rs139034961, gnomAD 0.06%). This variant has not been reported in the literature in individuals affected with SLC25A15-related conditions. ClinVar contains an entry for this variant (Variation ID: 312182). Invitae Evidence Modeling of protein sequence and biophysical properties (such as structural, functional, and spatial information, amino acid conservation, physicochemical variation, residue mobility, and thermodynamic stability) has been performed for this missense variant. However, the output from this modeling did not meet the statistical confidence thresholds required to predict the impact of this variant on SLC25A15 protein function. In summary, the available evidence is currently insufficient to determine the role of this variant in disease. Therefore, it has been classified as a Variant of Uncertain Significance.

Mayo Clinic Laboratories, Mayo Clinic
Classification: Uncertain significance. Last evaluated: 2024-08-05. Review status: criteria provided, single submitter. Criteria: ACMG Guidelines, 2015. Collection method: clinical testing. Allele origin: germline. Observed: 1 variant allele.

Ambry Genetics
Classification: Uncertain significance for Inborn genetic diseases. Last evaluated: 2024-07-08. Review status: criteria provided, single submitter. Criteria: Ambry Variant Classification Scheme 2023. Collection method: clinical testing. Allele origin: germline.

Illumina Laboratory Services, Illumina
Classification: Uncertain significance for Hyperornithinemia-hyperammonemia-homocitrullinuria syndrome. Last evaluated: 2018-01-12. Review status: criteria provided, single submitter. Criteria: ICSL Variant Classification Criteria 13 December 2019. Collection method: clinical testing. Allele origin: germline.

Natera, Inc.
Classification: Uncertain significance for Hyperornithinemia-hyperammonemia-homocitrullinuria syndrome. Last evaluated: 2020-04-16. Review status: no assertion criteria provided. Collection method: clinical testing. Allele origin: germline. Not counted in ClinVar's aggregate classification.